The following is an entry in ClinVar:

NM_000155.4(GALT):c.508-29del

Gene: GALT (galactose-1-phosphate uridylyltransferase; plus strand). Cytogenetic location: 9p13.3.
Variant type: Deletion.
Coding change: c.508-29del on transcript NM_000155.4 (MANE Select); 29 bases into the intron before coding-DNA position 508, one base deleted (T; older notation c.508-29delT).
Molecular consequence: intron variant.
Genome position (GRCh38, 1-based): chr9:34,648,086, T deleted. VCF-style (leftmost placement, unchanged base first): chr9-34648085-CT-C. GRCh37 (hg19) VCF-style: chr9-34648082-CT-C.
Other names: p.?; c.181-29del (NM_001258332.2); c.508-29delT (NM_000155.4); c.508-29del (NM_000155.3).
Identifiers: ClinVar variation 25194 (VCV000025194.16), dbSNP rs111033711, ClinGen allele CA259415.

ClinVar aggregate classification (germline): Uncertain significance. Review status: reviewed by expert panel (3 of 4 stars). 7 submissions from 7 submitters: Uncertain significance (1). 6 of the submissions do not count toward it. Last evaluated 2026-06-23.

Conditions:
GALT-related disorder. Also called: GALT-related condition.
Galactosemia. Also called: Galactose intolerance. Identifiers: Orphanet 352, MedGen C0016952, MONDO:0018116, HP:0004919. Disease mechanism: loss of function.
Deficiency of UDPglucose-hexose-1-phosphate uridylyltransferase. Also called: Transferase Deficiency Galactosemia; GALACTOSE-1-PHOSPHATE URIDYLYLTRANSFERASE DEFICIENCY; GALACTOSEMIA I; GALT deficiency; Galactosemia, classic. Identifiers: Orphanet 352, Orphanet 79239, MedGen C0268151, MONDO:0009258, OMIM 230400.

Allele frequency attached by ClinVar (database versions not stated): gnomAD exomes below 0.00001; TOPMed below 0.00001.

Submissions (7):

Clingen Galactosemia Variant Curation Expert Panel, ClinGen
Classification: Uncertain significance for Galactosemia. Last evaluated: 2026-06-23. Review status: reviewed by expert panel. Criteria: ClinGen Galactosemia ACMG Specifications GALT V1.1. Collection method: curation. Allele origin: germline. Inheritance: Autosomal recessive inheritance.
Comment: The c.508-29del (NM_000155.4) variant in GALT is an intronic variant that occurs in intron 5 and involves the deletion of a T nucleotide. The filtering allele frequency is 0.00001062 for African/African American chromosomes by gnomAD v4.1.0, which is lower than the ClinGen Galactosemia threshold (≤ 0.0005) for PM2_Supporting, and therefore meets this criterion (PM2_Supporting). At least one patient with this variant displayed cataracts, liver disease, jaundice, and GALT enzyme deficiency, which is highly specific for galactosemia (PP4_Moderate, Internal lab contributors). This variant has been detected in 2 siblings with galactosemia. 2 individuals were homozygous for the variant (PM3_supporting, Internal lab contributors). The variant has been reported to segregate with galactosemia in 1 affected family members from 1 family. (PP1; Internal lab contributors). In summary, this variant meets the criteria to be classified as uncertain significance for galactosemia based on the ACMG/AMP criteria applied, as specified by the ClinGen Galactosemia VCEP: PP4_moderate, PP1, PM2_supporting, PM3_supporting (GALT specifications v1.0.0).

Mayo Clinic Laboratories, Mayo Clinic
Classification: Likely pathogenic. Last evaluated: 2025-09-18. Review status: criteria provided, single submitter. Criteria: ACMG Guidelines, 2015. Collection method: clinical testing. Allele origin: germline. Observed: 3 variant alleles. Not counted in ClinVar's aggregate classification.
Comment: PP4, PM2_supporting, PM3, PS3_supporting, PS4_moderate

Myriad Genetics, Inc.
Classification: Likely pathogenic for Deficiency of UDPglucose-hexose-1-phosphate uridylyltransferase. Last evaluated: 2025-07-16. Review status: criteria provided, single submitter. Criteria: Myriad Autosomal Dominant, Autosomal Recessive and X-Linked Classification Criteria (2023). Collection method: clinical testing. Allele origin: unknown. Not counted in ClinVar's aggregate classification.
Comment: NM_000155.3(GALT):c.508-29delT is an intronic variant classified as likely pathogenic in the context of galactosemia. c.508-29delT has been observed in cases with relevant disease (PMID: 15841485, 31194895). Relevant functional assessments of this variant are available in the literature (PMID: 31194895). c.508-29delT has not been observed in referenced population frequency databases. In summary, NM_000155.3(GALT):c.508-29delT is an intronic variant that has functional support for pathogenicity and has been observed more frequently in cases with the relevant disease than in healthy populations. Please note: this variant was assessed in the context of healthy population screening.

First Genomix Gene Laboratory, Genetic Diagnostics Department
Classification: Likely pathogenic for Deficiency of UDPglucose-hexose-1-phosphate uridylyltransferase. Last evaluated: 2025-01-17. Review status: criteria provided, single submitter. Criteria: ACMG Guidelines, 2015. Collection method: clinical testing. Allele origin: germline. Inheritance: Autosomal recessive inheritance. Affected: no. Observed: 1 variant allele. Not counted in ClinVar's aggregate classification.

PreventionGenetics, part of Exact Sciences
Classification: Likely pathogenic for GALT-related condition. Last evaluated: 2023-01-25. Review status: criteria provided, single submitter. Criteria: ACMG Guidelines, 2015. Collection method: clinical testing. Allele origin: germline. Not counted in ClinVar's aggregate classification.
Comment: The GALT c.508-29delT variant is predicted to result in an intronic deletion. However, no additional functional or segregation studies were performed to help clarify the pathogenicity of this variant (Bosch et al. 2005. PubMed ID: 15841485). It was also reported in the homozygous state in two additional Somalian galactosemia patients. Based on mRNA studies using fibroblasts from one of the homozygous individuals, the c.508-29delT variant led to the insertion of 66 bp of sequence from intron 5 and subsequent premature termination (See Table 1 and Supplemental Figure S1 in Ohlsson and Wedell. 2019. PubMed ID: 31194895; variant described as p.(Gln169_Ile170insTer20) in Table 1). This variant has not been reported in a large population database, indicating it is rare. Taken together, this variant is interpreted as likely pathogenic.

Labcorp Genetics (formerly Invitae), Labcorp
Classification: Uncertain significance for Deficiency of UDPglucose-hexose-1-phosphate uridylyltransferase. Last evaluated: 2021-08-28. Review status: criteria provided, single submitter. Criteria: Invitae Variant Classification Sherloc (09022015). Collection method: clinical testing. Allele origin: germline. Not counted in ClinVar's aggregate classification.
Comment: This sequence change falls in intron 5 of the GALT gene. It does not directly change the encoded amino acid sequence of the GALT protein. It affects a nucleotide within the consensus splice site of the intron. This variant is not present in population databases (ExAC no frequency). This variant has been observed in individual(s) with classical galactosemia (PMID: 15841485; Invitae). ClinVar contains an entry for this variant (Variation ID: 25194). Variants that disrupt the consensus splice site are a relatively common cause of aberrant splicing (PMID: 17576681, 9536098). Algorithms developed to predict the effect of sequence changes on RNA splicing suggest that this variant is not likely to affect RNA splicing. In summary, the available evidence is currently insufficient to determine the role of this variant in disease. Therefore, it has been classified as a Variant of Uncertain Significance.

Counsyl
Classification: Uncertain significance for Deficiency of UDPglucose-hexose-1-phosphate uridylyltransferase. Last evaluated: 2018-05-25. Review status: no assertion criteria provided. Collection method: clinical testing. Allele origin: unknown. Not counted in ClinVar's aggregate classification.

Literature cited by the submitters: PubMed 15841485 (cited by 4 submitters); PubMed 31194895 (cited by Mayo Clinic Laboratories, Mayo Clinic and Myriad Genetics, Inc.); PubMed 17576681 (cited by Labcorp Genetics (formerly Invitae), Labcorp); PubMed 9536098 (cited by Labcorp Genetics (formerly Invitae), Labcorp).